The following is an entry in ClinVar:

ClinVar aggregate classification (germline): Likely pathogenic (1 of 4 stars; one submission).

Conditions:
MHC class I deficiency. Identifiers: Orphanet 34592, MedGen C6024714, MONDO:0011476.

Submission:

Labcorp Genetics (formerly Invitae), Labcorp
Classification: Likely pathogenic for MHC class I deficiency 1. Last evaluated: 2023-03-04. Review status: criteria provided, single submitter. Criteria: Invitae Variant Classification Sherloc (09022015). Collection method: clinical testing. Allele origin: germline.
Comment: This sequence change affects a donor splice site in intron 9 of the TAP2 gene. It is expected to disrupt RNA splicing. Variants that disrupt the donor or acceptor splice site typically lead to a loss of protein function (PMID: 16199547), and loss-of-function variants in TAP2 are known to be pathogenic (PMID: 7517574, 11529920, 12067308, 23662797). This variant is not present in population databases (gnomAD no frequency). This variant has not been reported in the literature in individuals affected with TAP2-related conditions. Algorithms developed to predict the effect of sequence changes on RNA splicing suggest that this variant may disrupt the consensus splice site. In summary, the currently available evidence indicates that the variant is pathogenic, but additional data are needed to prove that conclusively. Therefore, this variant has been classified as Likely Pathogenic.

Literature cited by the submitters: PubMed 16199547; PubMed 7517574; PubMed 11529920; PubMed 12067308; PubMed 23662797.

NM_001290043.2(TAP2):c.1635+1G>C

Gene: TAP2 (transporter 2, ATP binding cassette subfamily B member; minus strand). Cytogenetic location: 6p21.32.
Variant type: single nucleotide variant.
Coding change: c.1635+1G>C on transcript NM_001290043.2 (MANE Select); the canonical splice donor site of the intron after coding-DNA position 1635, G replaced by C.
Molecular consequence: splice donor variant.
Genome position (GRCh38, 1-based): chr6:32,830,266, C>G on the plus strand (G>C on the coding strand, the complement: TAP2 is on the minus strand). VCF-style: chr6-32830266-C-G. GRCh37 (hg19) VCF-style: chr6-32798043-C-G.
Other names: c.1635+1G>C (NM_018833.3).
Identifiers: ClinVar variation 2803894 (VCV002803894.3), dbSNP rs755005828, ClinGen allele CA363579800.